The following is an entry in ClinVar:

NM_014363.6(SACS):c.937G>A (p.Val313Met)

Gene: SACS (sacsin molecular chaperone; minus strand). Cytogenetic location: 13q12.12.
Variant type: single nucleotide variant.
Coding change: c.937G>A on transcript NM_014363.6 (MANE Select); coding-DNA position 937, G replaced by A.
Protein change: p.Val313Met; replaces valine 313 with methionine.
Molecular consequence: missense variant.
Genome position (GRCh38, 1-based): chr13:23,355,675, C>T on the plus strand (G>A on the coding strand, the complement: SACS is on the minus strand). VCF-style: chr13-23355675-C-T. GRCh37 (hg19) VCF-style: chr13-23929814-C-T.
Other names: c.496G>A, p.Val166Met (NM_001278055.2); short protein forms V166M, V313M.
Identifiers: ClinVar variation 3350653 (VCV003350653.1).

ClinVar aggregate classification (germline): Uncertain significance (0 of 4 stars; one submission).

Conditions:
SACS-related disorder. Also called: SACS-related condition.

Submission:

PreventionGenetics, part of Exact Sciences
Classification: Uncertain significance for SACS-related condition. Last evaluated: 2024-07-30. Review status: no assertion criteria provided. Collection method: clinical testing. Allele origin: germline.
Comment: The SACS c.937G>A variant is predicted to result in the amino acid substitution p.Val313Met. To our knowledge, this variant has not been reported in the literature. This variant is reported in 0.011% of alleles in individuals of African descent in gnomAD. At this time, the clinical significance of this variant is uncertain due to the absence of conclusive functional and genetic evidence.